The following is an entry in ClinVar:

ClinVar aggregate classification (germline): Uncertain significance (1 of 4 stars; one submission).

gnomAD v4.1: 46 of 1,614,006 alleles (0.0029%); highest among the groups gnomAD compares: Non-Finnish European, 0.0039%; no homozygotes.

Submission:

Labcorp Genetics (formerly Invitae), Labcorp
Classification: Uncertain significance. Last evaluated: 2025-05-04. Review status: criteria provided, single submitter. Criteria: Invitae Variant Classification Sherloc (09022015). Collection method: clinical testing. Allele origin: germline.
Comment: This sequence change replaces serine, which is neutral and polar, with threonine, which is neutral and polar, at codon 4713 of the HMCN1 protein (p.Ser4713Thr). This variant is not present in population databases (gnomAD no frequency). This variant has not been reported in the literature in individuals affected with HMCN1-related conditions. An algorithm developed to predict the effect of missense changes on protein structure and function outputs the following: PolyPhen-2: "Benign". The threonine amino acid residue is found in multiple mammalian species, which suggests that this missense change does not adversely affect protein function. In summary, the available evidence is currently insufficient to determine the role of this variant in disease. Therefore, it has been classified as a Variant of Uncertain Significance.

NM_031935.3(HMCN1):c.14137T>A (p.Ser4713Thr)

Gene: HMCN1 (hemicentin 1; plus strand). Cytogenetic location: 1q31.1.
Variant type: single nucleotide variant.
Coding change: c.14137T>A on transcript NM_031935.3 (MANE Select); coding-DNA position 14137, T replaced by A.
Protein change: p.Ser4713Thr; replaces serine 4713 with threonine.
Molecular consequence: missense variant.
Genome position (GRCh38, 1-based): chr1:186,144,574, T>A. VCF-style: chr1-186144574-T-A. GRCh37 (hg19) VCF-style: chr1-186113706-T-A.
Other names: short protein forms S4713T.
Identifiers: ClinVar variation 4701300 (VCV004701300.1).